The following is an entry in ClinVar:

ClinVar aggregate classification (germline): Uncertain significance (1 of 4 stars; one submission).

gnomAD v4.1: 19 of 1,614,032 alleles (0.0012%); highest among the groups gnomAD compares: Non-Finnish European, 0.0016%; no homozygotes.

Submission:

Labcorp Genetics (formerly Invitae), Labcorp
Classification: Uncertain significance. Last evaluated: 2025-06-23. Review status: criteria provided, single submitter. Criteria: Invitae Variant Classification Sherloc (09022015). Collection method: clinical testing. Allele origin: germline.
Comment: This sequence change replaces alanine, which is neutral and non-polar, with proline, which is neutral and non-polar, at codon 1138 of the DUOX2 protein (p.Ala1138Pro). This variant is not present in population databases (gnomAD no frequency). This variant has not been reported in the literature in individuals affected with DUOX2-related conditions. ClinVar contains an entry for this variant (Variation ID: 1363091). Invitae Evidence Modeling of protein sequence and biophysical properties (such as structural, functional, and spatial information, amino acid conservation, physicochemical variation, residue mobility, and thermodynamic stability) indicates that this missense variant is not expected to disrupt DUOX2 protein function with a negative predictive value of 80%. In summary, the available evidence is currently insufficient to determine the role of this variant in disease. Therefore, it has been classified as a Variant of Uncertain Significance.

NM_001363711.2(DUOX2):c.3412G>C (p.Ala1138Pro)

Gene: DUOX2 (dual oxidase 2; minus strand). Cytogenetic location: 15q21.1.
Variant type: single nucleotide variant.
Coding change: c.3412G>C on transcript NM_001363711.2 (MANE Select); coding-DNA position 3412, G replaced by C.
Protein change: p.Ala1138Pro; replaces alanine 1138 with proline.
Molecular consequence: missense variant.
Genome position (GRCh38, 1-based): chr15:45,099,665, C>G on the plus strand (G>C on the coding strand, the complement: DUOX2 is on the minus strand). VCF-style: chr15-45099665-C-G. GRCh37 (hg19) VCF-style: chr15-45391863-C-G.
Other names: c.3412G>C, p.Ala1138Pro (NM_014080.5); short protein forms A1138P.
Identifiers: ClinVar variation 1363091 (VCV001363091.8), dbSNP rs1342850379, ClinGen allele CA392259641.